The following is an entry in ClinVar:

ClinVar aggregate classification (germline): Likely benign (0 of 4 stars; one submission).

Conditions:
CHCHD10-related disorder. Also called: CHCHD10-Related Disorders; CHCHD10-related condition. Identifiers: MedGen CN381526.

gnomAD v4.1: 477 of 1,071,644 alleles (0.045%); highest among the groups gnomAD compares: Non-Finnish European, 0.057%; no homozygotes.

Submission:

PreventionGenetics, part of Exact Sciences
Classification: Likely benign for CHCHD10-related condition. Last evaluated: 2019-09-10. Review status: no assertion criteria provided. Collection method: clinical testing. Allele origin: germline.
Comment: This variant is classified as likely benign based on ACMG/AMP sequence variant interpretation guidelines (Richards et al. 2015 PMID: 25741868, with internal and published modifications).

NM_213720.3(CHCHD10):c.276T>G (p.Ala92=)

Gene: CHCHD10 (coiled-coil-helix-coiled-coil-helix domain containing 10; minus strand). Cytogenetic location: 22q11.23.
Variant type: single nucleotide variant.
Coding change: c.276T>G on transcript NM_213720.3 (MANE Select); coding-DNA position 276, T replaced by G.
Protein change: p.Ala92=; no amino-acid change (alanine 92 retained).
Molecular consequence: synonymous variant. On other transcripts: non-coding transcript variant (2).
Genome position (GRCh38, 1-based): chr22:23,766,261, A>C on the plus strand (T>G on the coding strand, the complement: CHCHD10 is on the minus strand). VCF-style: chr22-23766261-A-C. GRCh37 (hg19) VCF-style: chr22-24108448-A-C.
Other names: c.297T>G, p.Ala99= (NM_001301339.2).
Identifiers: ClinVar variation 3041658 (VCV003041658.2), dbSNP rs1252496774, ClinGen allele CA410915166.